The following is an entry in ClinVar:

ClinVar aggregate classification (germline): Uncertain significance (1 of 4 stars; one submission).

Submission:

Labcorp Genetics (formerly Invitae), Labcorp
Classification: Uncertain significance. Last evaluated: 2022-03-18. Review status: criteria provided, single submitter. Criteria: Invitae Variant Classification Sherloc (09022015). Collection method: clinical testing. Allele origin: germline.
Comment: This sequence change replaces asparagine, which is neutral and polar, with lysine, which is basic and polar, at codon 259 of the COQ8A protein (p.Asn259Lys). This variant is not present in population databases (gnomAD no frequency). This variant has not been reported in the literature in individuals affected with COQ8A-related conditions. Advanced modeling of protein sequence and biophysical properties (such as structural, functional, and spatial information, amino acid conservation, physicochemical variation, residue mobility, and thermodynamic stability) performed at Invitae indicates that this missense variant is expected to disrupt COQ8A protein function. In summary, the available evidence is currently insufficient to determine the role of this variant in disease. Therefore, it has been classified as a Variant of Uncertain Significance.

NM_020247.5(COQ8A):c.777T>A (p.Asn259Lys)

Gene: COQ8A (coenzyme Q8A; plus strand). Cytogenetic location: 1q42.13.
Variant type: single nucleotide variant.
Coding change: c.777T>A on transcript NM_020247.5 (MANE Select); coding-DNA position 777, T replaced by A.
Protein change: p.Asn259Lys; replaces asparagine 259 with lysine.
Molecular consequence: missense variant.
Genome position (GRCh38, 1-based): chr1:226,982,073, T>A. VCF-style: chr1-226982073-T-A. GRCh37 (hg19) VCF-style: chr1-227169774-T-A.
Other names: short protein forms N259K.
Identifiers: ClinVar variation 1387328 (VCV001387328.6), dbSNP rs778140760, ClinGen allele CA345051953.
Genomic context (GRCh38, chr1:226,982,073, plus strand): 5'-TTGCCCGCCCACAGGGAAGAAGGCCGTGCTGGGTTCCAGTCCTTTCCTGTCCGAGGCCAA[T>A]GCAGAGCGGATCGTGCGCACGCTCTGCAAGGTGCGTGGTGCGGCACTCAAGCTGGGCCAG-3'
Protein context (NP_064632.2, residues 249-269): LGSSPFLSEA[Asn259Lys]AERIVRTLCK